The following is an entry in ClinVar:

NM_001370259.2(MEN1):c.663G>C (p.Leu221=)

Gene: MEN1 (menin 1; minus strand). Cytogenetic location: 11q13.1.
Variant type: single nucleotide variant.
Coding change: c.663G>C on transcript NM_001370259.2 (MANE Select); coding-DNA position 663, G replaced by C.
Protein change: p.Leu221=; no amino-acid change (leucine 221 retained).
Molecular consequence: synonymous variant.
Genome position (GRCh38, 1-based): chr11:64,807,672, C>G on the plus strand (G>C on the coding strand, the complement: MEN1 is on the minus strand). VCF-style: chr11-64807672-C-G. GRCh37 (hg19) VCF-style: chr11-64575144-C-G.
Other names: c.678G>C, p.Leu226= (NM_000244.4, NM_130800.3, NM_130801.3 and 3 more transcripts); c.663G>C, p.Leu221= (NM_001370251.2, NM_001370260.2, NM_001370261.2 and 1 more transcripts); c.558G>C, p.Leu186= (NM_001370262.2, NM_001370263.2).
Identifiers: ClinVar variation 1161542 (VCV001161542.11), dbSNP rs1466764986, ClinGen allele CA475162815.

ClinVar aggregate classification (germline): Benign/Likely benign. Review status: criteria provided, multiple submitters, no conflicts (2 of 4 stars). 2 submissions from 2 submitters: Benign (1); Likely benign (1). Last evaluated 2024-11-01.

Conditions:
Multiple endocrine neoplasia, type 1 (MEN1). Also called: Endocrine adenomatosis multiple; MEN 1; MEN I; WERMER SYNDROME; MEA I. Identifiers: Orphanet 652, MedGen C0025267, MeSH D018761, MONDO:0007540, OMIM 131100.

Submissions (2):

Myriad Genetics, Inc.
Classification: Benign for Multiple endocrine neoplasia, type 1. Last evaluated: 2024-11-01. Review status: criteria provided, single submitter. Criteria: Myriad Autosomal Dominant, Autosomal Recessive and X-Linked Classification Criteria (2023). Collection method: clinical testing. Allele origin: unknown.
Comment: This variant is considered benign. This variant is a silent/synonymous amino acid change and it is not expected to impact splicing.

Labcorp Genetics (formerly Invitae), Labcorp
Classification: Likely benign for Multiple endocrine neoplasia, type 1. Last evaluated: 2022-04-22. Review status: criteria provided, single submitter. Criteria: Invitae Variant Classification Sherloc (09022015). Collection method: clinical testing. Allele origin: germline.